The following is an entry in ClinVar:

NM_001365999.1(SZT2):c.4356C>T (p.Ser1452=)

Gene: SZT2 (SZT2 subunit of KICSTOR complex; plus strand). Cytogenetic location: 1p34.2.
Variant type: single nucleotide variant.
Coding change: c.4356C>T on transcript NM_001365999.1 (MANE Select); coding-DNA position 4356, C replaced by T.
Protein change: p.Ser1452=; no amino-acid change (serine 1452 retained).
Molecular consequence: synonymous variant.
Genome position (GRCh38, 1-based): chr1:43,430,058, C>T. VCF-style: chr1-43430058-C-T. GRCh37 (hg19) VCF-style: chr1-43895729-C-T.
Other names: p.Ser1395=; c.4185C>T, p.Ser1395= (NM_015284.4).
Identifiers: ClinVar variation 700695 (VCV000700695.36), dbSNP rs200813502, ClinGen allele CA809258.

ClinVar aggregate classification (germline): Likely benign. Review status: criteria provided, multiple submitters, no conflicts (2 of 4 stars). 5 submissions from 5 submitters: Likely benign (5). Last evaluated 2025-03-11.

Conditions:
Developmental and epileptic encephalopathy, 18 (DEE18). Also called: Early infantile epileptic encephalopathy 18. Identifiers: Orphanet 369894, MedGen C3809624, MONDO:0014201, OMIM 615476.

Allele frequency attached by ClinVar (database versions not stated): ExAC 0.00004; gnomAD 0.00004 and 0.00005; gnomAD exomes 0.00004; TOPMed 0.00004; ESP Exome Variant Server 0.00008; 1000 Genomes Project 30x 0.00016; 1000 Genomes Project 0.00020.
gnomAD v4.1: 65 of 1,614,178 alleles (0.004%); highest among the groups gnomAD compares: Middle Eastern, 0.033%; no homozygotes.

Submissions (5):

Mayo Clinic Laboratories, Mayo Clinic
Classification: Likely benign. Last evaluated: 2025-03-11. Review status: criteria provided, single submitter. Criteria: ACMG Guidelines, 2015. Collection method: clinical testing. Allele origin: germline. Observed: 1 variant allele.
Comment: BP4, BP7

Labcorp Genetics (formerly Invitae), Labcorp
Classification: Likely benign. Last evaluated: 2024-10-29. Review status: criteria provided, single submitter. Criteria: Invitae Variant Classification Sherloc (09022015). Collection method: clinical testing. Allele origin: germline.

Women's Health and Genetics/Laboratory Corporation of America, LabCorp
Classification: Likely benign. Last evaluated: 2024-05-15. Review status: criteria provided, single submitter. Criteria: LabCorp Variant Classification Summary - May 2015. Collection method: clinical testing. Allele origin: germline.

Genome-Nilou Lab
Classification: Likely benign for Developmental and epileptic encephalopathy, 18. Last evaluated: 2023-04-11. Review status: criteria provided, single submitter. Criteria: ACMG Guidelines, 2015. Collection method: clinical testing. Allele origin: germline. Affected: no.

CeGaT Center for Human Genetics Tuebingen
Classification: Likely benign. Last evaluated: 2022-04-01. Review status: criteria provided, single submitter. Criteria: CeGaT Center For Human Genetics Tuebingen Variant Classification Criteria Version 2. Collection method: clinical testing. Allele origin: germline. Affected: yes. Observed: 1 variant allele.
Comment: SZT2: BP4, BP7